The following is an entry in ClinVar:

ClinVar aggregate classification (germline): Uncertain significance (1 of 4 stars; one submission).

Submission:

Labcorp Genetics (formerly Invitae), Labcorp
Classification: Uncertain significance. Last evaluated: 2022-05-24. Review status: criteria provided, single submitter. Criteria: Invitae Variant Classification Sherloc (09022015). Collection method: clinical testing. Allele origin: germline.
Comment: Algorithms developed to predict the effect of missense changes on protein structure and function are either unavailable or do not agree on the potential impact of this missense change (SIFT: "Tolerated"; PolyPhen-2: "Possibly Damaging"; Align-GVGD: "Class C0"). In summary, the available evidence is currently insufficient to determine the role of this variant in disease. Therefore, it has been classified as a Variant of Uncertain Significance. This variant has not been reported in the literature in individuals affected with TNFRSF11A-related conditions. This variant is not present in population databases (gnomAD no frequency). This sequence change replaces proline, which is neutral and non-polar, with leucine, which is neutral and non-polar, at codon 565 of the TNFRSF11A protein (p.Pro565Leu).

NM_003839.4(TNFRSF11A):c.1694C>T (p.Pro565Leu)

Gene: TNFRSF11A (TNF receptor superfamily member 11a; plus strand). Cytogenetic location: 18q21.33.
Variant type: single nucleotide variant.
Coding change: c.1694C>T on transcript NM_003839.4 (MANE Select); coding-DNA position 1694, C replaced by T.
Protein change: p.Pro565Leu; replaces proline 565 with leucine.
Molecular consequence: missense variant. On other transcripts: 3 prime UTR variant (1).
Genome position (GRCh38, 1-based): chr18:62,384,877, C>T. VCF-style: chr18-62384877-C-T. GRCh37 (hg19) VCF-style: chr18-60052110-C-T.
Other names: c.*118C>T (NM_001270949.2); c.857C>T, p.Pro286Leu (NM_001270950.2); c.743C>T, p.Pro248Leu (NM_001270951.2); c.1652C>T, p.Pro551Leu (NM_001278268.2); short protein forms P248L, P551L, P565L, P286L.
Identifiers: ClinVar variation 1998247 (VCV001998247.4), dbSNP rs1326368969, ClinGen allele CA402620281.